The following is an entry in ClinVar:

NM_012203.2(GRHPR):c.426G>T (p.Lys142Asn)

Gene: GRHPR (glyoxylate and hydroxypyruvate reductase; plus strand). Cytogenetic location: 9p13.2.
Variant type: single nucleotide variant.
Coding change: c.426G>T on transcript NM_012203.2 (MANE Select); coding-DNA position 426, G replaced by T.
Protein change: p.Lys142Asn; replaces lysine 142 with asparagine.
Molecular consequence: missense variant.
Genome position (GRCh38, 1-based): chr9:37,428,505, G>T. VCF-style: chr9-37428505-G-T. GRCh37 (hg19) VCF-style: chr9-37428502-G-T.
Other names: c.426G>T (NM_012203.1); short protein forms K142N.
Identifiers: ClinVar variation 1935042 (VCV001935042.7), dbSNP rs1823190771, ClinGen allele CA373442719.

ClinVar aggregate classification (germline): Uncertain significance. Review status: criteria provided, multiple submitters, no conflicts (2 of 4 stars). 2 submissions from 2 submitters: Uncertain significance (2). Last evaluated 2025-07-02.

Conditions:
Nephrolithiasis/nephrocalcinosis. Identifiers: MedGen CN580796.

Allele frequency attached by ClinVar (database versions not stated): gnomAD 0.00001.

Submissions (2):

Ambry Genetics
Classification: Uncertain significance for Nephrolithiasis/nephrocalcinosis. Last evaluated: 2025-07-02. Review status: criteria provided, single submitter. Criteria: Ambry Variant Classification Scheme 2023. Collection method: clinical testing. Allele origin: germline.

Labcorp Genetics (formerly Invitae), Labcorp
Classification: Uncertain significance. Last evaluated: 2022-09-27. Review status: criteria provided, single submitter. Criteria: Invitae Variant Classification Sherloc (09022015). Collection method: clinical testing. Allele origin: germline.
Comment: In summary, the available evidence is currently insufficient to determine the role of this variant in disease. Therefore, it has been classified as a Variant of Uncertain Significance. Advanced modeling of protein sequence and biophysical properties (such as structural, functional, and spatial information, amino acid conservation, physicochemical variation, residue mobility, and thermodynamic stability) performed at Invitae indicates that this missense variant is not expected to disrupt GRHPR protein function. This variant has not been reported in the literature in individuals affected with GRHPR-related conditions. This variant is not present in population databases (gnomAD no frequency). This sequence change replaces lysine, which is basic and polar, with asparagine, which is neutral and polar, at codon 142 of the GRHPR protein (p.Lys142Asn).